The following is an entry in ClinVar:

ClinVar aggregate classification (germline): Uncertain significance (1 of 4 stars; one submission).

Conditions:
Joubert syndrome. Also called: CEREBELLOPARENCHYMAL DISORDER IV; JOUBERT-BOLTSHAUSER SYNDROME; Familial aplasia of the vermis. Identifiers: Orphanet 475, MedGen C5979921, MONDO:0018772.
Meckel-Gruber syndrome. Also called: DYSENCEPHALIA SPLANCHNOCYSTICA; GRUBER SYNDROME; Dysencephalia splachnocystica. Identifiers: Orphanet 564, MedGen C0265215, MONDO:0018921.

Allele frequency attached by ClinVar (database versions not stated): gnomAD exomes below 0.00001; gnomAD 0.00001.
gnomAD v4.1: 3 of 1,614,206 alleles (0.00019%); highest among the groups gnomAD compares: East Asian, 0.0067%; no homozygotes.

Submission:

Labcorp Genetics (formerly Invitae), Labcorp
Classification: Uncertain significance for Joubert syndrome; Meckel-Gruber syndrome. Last evaluated: 2022-05-29. Review status: criteria provided, single submitter. Criteria: Invitae Variant Classification Sherloc (09022015). Collection method: clinical testing. Allele origin: germline.
Comment: This sequence change replaces alanine, which is neutral and non-polar, with valine, which is neutral and non-polar, at codon 24 of the TMEM67 protein (p.Ala24Val). This variant is present in population databases (no rsID available, gnomAD 0.006%). This variant has not been reported in the literature in individuals affected with TMEM67-related conditions. Advanced modeling of protein sequence and biophysical properties (such as structural, functional, and spatial information, amino acid conservation, physicochemical variation, residue mobility, and thermodynamic stability) performed at Invitae indicates that this missense variant is not expected to disrupt TMEM67 protein function. In summary, the available evidence is currently insufficient to determine the role of this variant in disease. Therefore, it has been classified as a Variant of Uncertain Significance.

NM_153704.6(TMEM67):c.71C>T (p.Ala24Val)

Gene: TMEM67 (transmembrane protein 67; plus strand). Cytogenetic location: 8q22.1.
Variant type: single nucleotide variant.
Coding change: c.71C>T on transcript NM_153704.6 (MANE Select); coding-DNA position 71, C replaced by T.
Protein change: p.Ala24Val; replaces alanine 24 with valine.
Molecular consequence: missense variant. On other transcripts: non-coding transcript variant (1), intron variant (1).
Genome position (GRCh38, 1-based): chr8:93,754,985, C>T. VCF-style: chr8-93754985-C-T. GRCh37 (hg19) VCF-style: chr8-94767213-C-T.
Other names: c.-179-35C>T (NM_001142301.1); short protein forms A24V.
Identifiers: ClinVar variation 2000209 (VCV002000209.1), dbSNP rs1342314335, ClinGen allele CA371685177.